The following is an entry in ClinVar:

NM_001146.5(ANGPT1):c.977T>C (p.Val326Ala)

Gene: ANGPT1 (angiopoietin 1; minus strand). Cytogenetic location: 8q23.1.
Variant type: single nucleotide variant.
Coding change: c.977T>C on transcript NM_001146.5 (MANE Select); coding-DNA position 977, T replaced by C.
Protein change: p.Val326Ala; replaces valine 326 with alanine.
Molecular consequence: missense variant.
Genome position (GRCh38, 1-based): chr8:107,293,997, A>G on the plus strand (T>C on the coding strand, the complement: ANGPT1 is on the minus strand). VCF-style: chr8-107293997-A-G. GRCh37 (hg19) VCF-style: chr8-108306225-A-G.
Other names: c.974T>C, p.Val325Ala (NM_001199859.3); c.377T>C, p.Val126Ala (NM_001314051.2); short protein forms V126A, V325A, V326A.
Identifiers: ClinVar variation 2756172 (VCV002756172.3), dbSNP rs2488187045, ClinGen allele CA372033088.

ClinVar aggregate classification (germline): Uncertain significance (1 of 4 stars; one submission).

Allele frequency attached by ClinVar (database versions not stated): gnomAD exomes below 0.00001.
gnomAD v4.1: 2 of 1,613,658 alleles (0.00012%); highest among the groups gnomAD compares: East Asian, 0.0022%; no homozygotes.

Submission:

Labcorp Genetics (formerly Invitae), Labcorp
Classification: Uncertain significance. Last evaluated: 2023-09-23. Review status: criteria provided, single submitter. Criteria: Invitae Variant Classification Sherloc (09022015). Collection method: clinical testing. Allele origin: germline.
Comment: In summary, the available evidence is currently insufficient to determine the role of this variant in disease. Therefore, it has been classified as a Variant of Uncertain Significance. An algorithm developed to predict the effect of missense changes on protein structure and function (PolyPhen-2) suggests that this variant is likely to be disruptive. This variant has not been reported in the literature in individuals affected with ANGPT1-related conditions. This variant is not present in population databases (gnomAD no frequency). This sequence change replaces valine, which is neutral and non-polar, with alanine, which is neutral and non-polar, at codon 326 of the ANGPT1 protein (p.Val326Ala).